The following is an entry in ClinVar:

NM_000245.4(MET):c.40C>T (p.Leu14Phe)

Gene: MET (MET proto-oncogene, receptor tyrosine kinase; plus strand). Cytogenetic location: 7q31.2.
Variant type: single nucleotide variant.
Coding change: c.40C>T on transcript NM_000245.4 (MANE Select); coding-DNA position 40, C replaced by T.
Protein change: p.Leu14Phe; replaces leucine 14 with phenylalanine.
Molecular consequence: missense variant. On other transcripts: intron variant (1).
Genome position (GRCh38, 1-based): chr7:116,699,124, C>T. VCF-style: chr7-116699124-C-T. GRCh37 (hg19) VCF-style: chr7-116339178-C-T.
Other names: c.40C>T, p.Leu14Phe (NM_001127500.3, NM_001324401.3); c.-91+26547C>T (NM_001324402.2); c.40C>T (NM_001127500.2); short protein forms L14F.
Identifiers: ClinVar variation 188112 (VCV000188112.28), dbSNP rs763344951, ClinGen allele CA334069.

ClinVar aggregate classification (germline): Conflicting classifications of pathogenicity. Review status: criteria provided, conflicting classifications (1 of 4 stars). 10 submissions from 10 submitters: Uncertain significance (6); Likely benign (3). 1 of the submissions does not count toward it. Last evaluated 2026-02-01.

Conditions:
Hereditary cancer. Identifiers: MedGen C1333600.
Renal cell carcinoma. Identifiers: Orphanet 217071, MedGen C0007134, MeSH D002292, MONDO:0005086, HP:0005584.
MET-related disorder. Also called: MET-related condition.
Autosomal recessive nonsyndromic hearing loss 97. Also called: Deafness, autosomal recessive 97. Identifiers: Orphanet 90636, MedGen C4084709, MONDO:0014739, OMIM 616705.
Hereditary cancer-predisposing syndrome. Also called: Neoplastic Syndromes, Hereditary; Hereditary neoplastic syndrome; Tumor predisposition; Hereditary Cancer Syndrome. Identifiers: Orphanet 140162, MedGen C0027672, MeSH D009386, MONDO:0015356.
Hepatocellular carcinoma (HCC). Also called: HEPATOMA; LIVER CELL CARCINOMA; Primary carcinoma of liver. Identifiers: Orphanet 88673, MedGen C2239176, MONDO:0007256, OMIM 114550, HP:0001402.
Papillary renal cell carcinoma type 1 (RCCP1). Also called: RENAL CELL CARCINOMA, PAPILLARY, 1, SOMATIC; Renal adenocarcinoma; Renal cell carcinoma 1; Renal cell carcinoma, somatic. Identifiers: Orphanet 47044, MedGen C1336839, OMIM 605074, HP:0011797.

Allele frequency attached by ClinVar (database versions not stated): gnomAD exomes 0.00009 and 0.00011; ExAC 0.00003; gnomAD 0.00015; TOPMed 0.00018.
gnomAD v4.1: 181 of 1,613,760 alleles (0.011%); highest among the groups gnomAD compares: Admixed American, 0.037%; no homozygotes.

Submissions (10):

Labcorp Genetics (formerly Invitae), Labcorp
Classification: Uncertain significance for Renal cell carcinoma. Last evaluated: 2026-02-01. Review status: criteria provided, single submitter. Criteria: Invitae Variant Classification Sherloc (09022015). Collection method: clinical testing. Allele origin: germline.
Comment: This sequence change replaces leucine, which is neutral and non-polar, with phenylalanine, which is neutral and non-polar, at codon 14 of the MET protein (p.Leu14Phe). This variant is present in population databases (rs763344951, gnomAD 0.02%). This missense change has been observed in individual(s) with breast cancer (PMID: 35264596). ClinVar contains an entry for this variant (Variation ID: 188112). Invitae Evidence Modeling of protein sequence and biophysical properties (such as structural, functional, and spatial information, amino acid conservation, physicochemical variation, residue mobility, and thermodynamic stability) indicates that this missense variant is not expected to disrupt MET protein function with a negative predictive value of 80%. In summary, the available evidence is currently insufficient to determine the role of this variant in disease. Therefore, it has been classified as a Variant of Uncertain Significance.

Dasa
Classification: Uncertain significance. Last evaluated: 2025-05-19. Review status: criteria provided, single submitter. Criteria: DASA Assertion Criteria. Collection method: clinical testing. Allele origin: germline.
Comment: NM_000245.4(MET):c.40C>T (p.Leu14Phe) is a missense variant that results in the substitution of leucine with phenylalanine. This variant is rare in population databases. Computational prediction algorithms are consistent with a benign effect. The currently available literature and clinical evidence are not sufficient to establish a definitive association between this variant and the reported condition. Therefore, this variant is classified as a variant of uncertain significance.

Myriad Genetics, Inc.
Classification: Likely benign for Papillary renal cell carcinoma type 1. Last evaluated: 2024-11-05. Review status: criteria provided, single submitter. Criteria: Myriad Autosomal Dominant, Autosomal Recessive and X-Linked Classification Criteria (2023). Collection method: clinical testing. Allele origin: unknown.
Comment: This variant is considered likely benign. This variant has been observed at a population frequency that is significantly greater than expected given the associated disease prevalence and penetrance.

Quest Diagnostics Nichols Institute San Juan Capistrano
Classification: Uncertain significance. Last evaluated: 2024-10-04. Review status: criteria provided, single submitter. Criteria: Quest Diagnostics criteria. Collection method: clinical testing. Allele origin: unknown.
Comment: The MET c.40C>T (p.Leu14Phe) variant has been reported in the published literature in individuals with breast cancer (PMID: 35264596 (2022)) and pheochromocytoma and paraganglioma (PPGL) (PMID: 37529773 (2023)). This variant has also been observed in a reportedly healthy individual (PMID: 29641532 (2018)). The frequency of this variant in the general population, 0.00023 (8/35300 chromosomes (Genome Aggregation Database)), is uninformative in the assessment of its pathogenicity. Analysis of this variant using bioinformatics tools for the prediction of the effect of amino acid changes on protein structure and function yielded predictions that this variant is benign. Based on the available information, we are unable to determine the clinical significance of this variant.

Mendelics
Classification: Likely benign for Hereditary cancer. Last evaluated: 2024-09-11. Review status: criteria provided, single submitter. Criteria: ACMG Guidelines, 2015. Collection method: clinical testing. Allele origin: unknown.
Comment: This variant is considered likely benign or benign based on one or more of the following: it is predicted to be benign by multiple in silico algorithms, and/or has population frequency not consistent with disease, and/or has normal protein function, and/or has lack of segregation with disease, and/or has been detected in co-occurrence with known pathogenic variant, and/or has lack of disease association in case-control studies, and/or is located in a region inconsistent with a known cause of pathogenicity.

GeneDx
Classification: Uncertain significance. Last evaluated: 2024-03-01. Review status: criteria provided, single submitter. Criteria: GeneDx Variant Classification Process June 2021. Collection method: clinical testing. Allele origin: germline. Affected: yes.
Comment: In silico analysis supports that this missense variant does not alter protein structure/function; Observed in an individual with a pheochromocytoma or paraganglioma (PMID: 37529773); This variant is associated with the following publications: (PMID: 29641532, 37529773, 35264596)

Baylor Genetics
Classification: Uncertain significance for Autosomal recessive nonsyndromic hearing loss 97. Last evaluated: 2024-01-07. Review status: criteria provided, single submitter. Criteria: ACMG Guidelines, 2015. Collection method: clinical testing. Allele origin: unknown.

Ambry Genetics
Classification: Likely benign for Hereditary cancer-predisposing syndrome. Last evaluated: 2023-08-17. Review status: criteria provided, single submitter. Criteria: Ambry Variant Classification Scheme 2023. Collection method: clinical testing. Allele origin: germline.

Department of Pathology and Laboratory Medicine, Sinai Health System
Classification: Uncertain significance for Hepatocellular carcinoma; Papillary renal cell carcinoma type 1. Last evaluated: 2022-06-25. Review status: criteria provided, single submitter. Criteria: ACMG Guidelines, 2015. Collection method: research. Allele origin: germline.

PreventionGenetics, part of Exact Sciences
Classification: Uncertain significance for MET-related condition. Last evaluated: 2024-07-18. Review status: no assertion criteria provided. Collection method: clinical testing. Allele origin: germline. Not counted in ClinVar's aggregate classification.
Comment: The MET c.40C>T variant is predicted to result in the amino acid substitution p.Leu14Phe. This variant has been reported in an individual with breast cancer and in a control cohort for a large cancer study (Guindalini et al. 2022. PubMed ID: 35264596; Supplement 3 in Pritchard et al. 2018. PubMed ID: 29641532). This variant was also identified in an individual with abdominal paraganglioma and was classified as uncertain significance (Lima JV Jr et al. 2023. PubMed ID: 37529773). This variant is reported in 0.023% of alleles in individuals of Latino descent in gnomAD and has been classified as uncertain in the ClinVar database. At this time, the clinical significance of this variant is uncertain due to the absence of conclusive functional and genetic evidence.

Literature cited by the submitters: PubMed 35264596 (cited by Labcorp Genetics (formerly Invitae), Labcorp and Quest Diagnostics Nichols Institute San Juan Capistrano); PubMed 37529773 (cited by Quest Diagnostics Nichols Institute San Juan Capistrano); PubMed 29641532 (cited by Quest Diagnostics Nichols Institute San Juan Capistrano and Ambry Genetics).